The following is an entry in ClinVar:

NM_006218.4(PIK3CA):c.755T>C (p.Leu252Ser)

Gene: PIK3CA (phosphatidylinositol-4,5-bisphosphate 3-kinase catalytic subunit alpha; plus strand). Cytogenetic location: 3q26.32.
Variant type: single nucleotide variant.
Coding change: c.755T>C on transcript NM_006218.4 (MANE Select); coding-DNA position 755, T replaced by C.
Protein change: p.Leu252Ser; replaces leucine 252 with serine.
Molecular consequence: missense variant.
Genome position (GRCh38, 1-based): chr3:179,201,482, T>C. VCF-style: chr3-179201482-T-C. GRCh37 (hg19) VCF-style: chr3-178919270-T-C.
Other names: short protein forms L252S.
Identifiers: ClinVar variation 4627611 (VCV004627611.1).

ClinVar aggregate classification (germline): Uncertain significance (1 of 4 stars; one submission).

Conditions:
Inborn genetic diseases. Identifiers: MedGen C0950123, MeSH D030342.

Submission:

Ambry Genetics
Classification: Uncertain significance for Inborn genetic diseases. Last evaluated: 2025-12-14. Review status: criteria provided, single submitter. Criteria: Ambry Variant Classification Scheme 2023. Collection method: clinical testing. Allele origin: germline.
Comment: The p.L252S variant (also known as c.755T>C), located in coding exon 3 of the PIK3CA gene, results from a T to C substitution at nucleotide position 755. The leucine at codon 252 is replaced by serine, an amino acid with dissimilar properties. This amino acid position is conserved. In addition, this alteration is predicted to be deleterious by in silico analysis. Based on the available evidence, the clinical significance of this variant remains unclear.